The following is an entry in ClinVar:

NM_004364.5(CEBPA):c.62G>T (p.Ser21Ile)

Gene: CEBPA (CCAAT enhancer binding protein alpha; minus strand). Cytogenetic location: 19q13.11.
Variant type: single nucleotide variant.
Coding change: c.62G>T on transcript NM_004364.5 (MANE Select); coding-DNA position 62, G replaced by T.
Protein change: p.Ser21Ile; replaces serine 21 with isoleucine.
Molecular consequence: missense variant. On other transcripts: 5 prime UTR variant (1).
Genome position (GRCh38, 1-based): chr19:33,302,353, C>A on the plus strand (G>T on the coding strand, the complement: CEBPA is on the minus strand). VCF-style: chr19-33302353-C-A. GRCh37 (hg19) VCF-style: chr19-33793259-C-A.
Other names: c.62G>T (NM_004364.3); c.20G>T, p.Ser7Ile (NM_001287435.2); c.-296G>T (NM_001285829.2); c.167G>T, p.Ser56Ile (NM_001287424.2); short protein forms S21I, S56I, S7I.
Identifiers: ClinVar variation 1047366 (VCV001047366.10), dbSNP rs890855027, ClinGen allele CA307844453.

ClinVar aggregate classification (germline): Uncertain significance. Review status: criteria provided, multiple submitters, no conflicts (2 of 4 stars). 2 submissions from 2 submitters: Uncertain significance (2). Last evaluated 2024-12-09.

Conditions:
Acute myeloid leukemia (AML). Also called: Leukemia, acute myeloid, somatic; Leukemia, acute myelogenous, somatic; Acute myeloid leukemia, adult; AML adult; Acute non-lymphocytic leukemia; Acute granulocytic leukemia. Identifiers: Orphanet 519, MedGen C0023467, MeSH D015470, MONDO:0018874, OMIM 601626, HP:0004808. Disease mechanism: Constitutively activated FLT3.
Inborn genetic diseases. Identifiers: MedGen C0950123, MeSH D030342.

Allele frequency attached by ClinVar (database versions not stated): gnomAD 0.00001; TOPMed 0.00001.

Submissions (2):

Ambry Genetics
Classification: Uncertain significance for Inborn genetic diseases. Last evaluated: 2024-12-09. Review status: criteria provided, single submitter. Criteria: Ambry Variant Classification Scheme 2023. Collection method: clinical testing. Allele origin: germline.
Comment: The p.S21I variant (also known as c.62G>T), located in coding exon 1 of the CEBPA gene, results from a G to T substitution at nucleotide position 62. The serine at codon 21 is replaced by isoleucine, an amino acid with dissimilar properties. This amino acid position is conserved. In addition, this alteration is predicted to be tolerated by in silico analysis. Based on the available evidence, the clinical significance of this variant remains unclear.

Labcorp Genetics (formerly Invitae), Labcorp
Classification: Uncertain significance for Acute myeloid leukemia. Last evaluated: 2020-01-28. Review status: criteria provided, single submitter. Criteria: Invitae Variant Classification Sherloc (09022015). Collection method: clinical testing. Allele origin: germline.
Comment: In summary, the available evidence is currently insufficient to determine the role of this variant in disease. Therefore, it has been classified as a Variant of Uncertain Significance. Algorithms developed to predict the effect of missense changes on protein structure and function are either unavailable or do not agree on the potential impact of this missense change (SIFT: "Tolerated"; PolyPhen-2: "Possibly Damaging"; Align-GVGD: "Class C0"). This variant has not been reported in the literature in individuals with CEBPA-related conditions. The frequency data for this variant in the population databases is considered unreliable, as metrics indicate insufficient coverage at this position in the ExAC database. This sequence change replaces serine with isoleucine at codon 21 of the CEBPA protein (p.Ser21Ile). The serine residue is weakly conserved and there is a large physicochemical difference between serine and isoleucine.